The following is an entry in ClinVar:

NM_007194.4(CHEK2):c.65A>G (p.His22Arg)

Gene: CHEK2 (checkpoint kinase 2; minus strand). Cytogenetic location: 22q12.1.
Variant type: single nucleotide variant.
Coding change: c.65A>G on transcript NM_007194.4 (MANE Select); coding-DNA position 65, A replaced by G.
Protein change: p.His22Arg; replaces histidine 22 with arginine.
Molecular consequence: missense variant.
Genome position (GRCh38, 1-based): chr22:28,734,657, T>C on the plus strand (A>G on the coding strand, the complement: CHEK2 is on the minus strand). VCF-style: chr22-28734657-T-C. GRCh37 (hg19) VCF-style: chr22-29130645-T-C.
Other names: c.65A>G, p.His22Arg (NM_001005735.3, NM_001349956.3, NM_145862.3); c.-713A>G (NM_001257387.3); short protein forms H22R.
Identifiers: ClinVar variation 826501 (VCV000826501.14), dbSNP rs1601853800, ClinGen allele CA411091753.

ClinVar aggregate classification (germline): Uncertain significance. Review status: criteria provided, multiple submitters, no conflicts (2 of 4 stars). 3 submissions from 3 submitters: Uncertain significance (3). Last evaluated 2024-12-03.

Conditions:
Familial cancer of breast. Also called: BREAST CANCER, FAMILIAL; Hereditary breast cancer; hereditary breast carcinoma. Identifiers: Orphanet 227535, MedGen C0346153, MONDO:0016419, OMIM 114480. Disease mechanism: loss of function.
Hereditary cancer-predisposing syndrome. Also called: Neoplastic Syndromes, Hereditary; Tumor predisposition; Hereditary neoplastic syndrome; Hereditary Cancer Syndrome. Identifiers: Orphanet 140162, MedGen C0027672, MeSH D009386, MONDO:0015356.

Allele frequency attached by ClinVar (database versions not stated): gnomAD exomes below 0.00001.
gnomAD v4.1: 2 of 1,613,922 alleles (0.00012%); highest among the groups gnomAD compares: Non-Finnish European, 0.000085%; no homozygotes.

Submissions (3):

Ambry Genetics
Classification: Uncertain significance for Hereditary cancer-predisposing syndrome. Last evaluated: 2024-12-03. Review status: criteria provided, single submitter. Criteria: Ambry Variant Classification Scheme 2023. Collection method: clinical testing. Allele origin: germline.
Comment: The p.H22R variant (also known as c.65A>G), located in coding exon 1 of the CHEK2 gene, results from an A to G substitution at nucleotide position 65. The histidine at codon 22 is replaced by arginine, an amino acid with highly similar properties. This amino acid position is poorly conserved in available vertebrate species. In addition, this alteration is predicted to be tolerated by in silico analysis. Based on the available evidence, the clinical significance of this variant remains unclear.

Labcorp Genetics (formerly Invitae), Labcorp
Classification: Uncertain significance for Familial cancer of breast. Last evaluated: 2023-11-02. Review status: criteria provided, single submitter. Criteria: Invitae Variant Classification Sherloc (09022015). Collection method: clinical testing. Allele origin: germline.
Comment: This sequence change replaces histidine, which is basic and polar, with arginine, which is basic and polar, at codon 22 of the CHEK2 protein (p.His22Arg). This variant is not present in population databases (gnomAD no frequency). This variant has not been reported in the literature in individuals affected with CHEK2-related conditions. ClinVar contains an entry for this variant (Variation ID: 826501). An algorithm developed to predict the effect of missense changes on protein structure and function (PolyPhen-2) suggests that this variant is likely to be tolerated. In summary, the available evidence is currently insufficient to determine the role of this variant in disease. Therefore, it has been classified as a Variant of Uncertain Significance.

Color Diagnostics, LLC DBA Color Health
Classification: Uncertain significance for Hereditary cancer-predisposing syndrome. Last evaluated: 2022-06-30. Review status: criteria provided, single submitter. Criteria: ACMG Guidelines, 2015. Collection method: clinical testing. Allele origin: germline.
Comment: This missense variant replaces histidine with arginine at codon 22 of the CHEK2 protein. Computational prediction suggests that this variant may not impact protein structure and function (internally defined REVEL score threshold <= 0.5, PMID: 27666373). To our knowledge, functional studies have not been reported for this variant. This variant has not been reported in individuals affected with hereditary cancer in the literature. This variant has not been identified in the general population by the Genome Aggregation Database (gnomAD). The available evidence is insufficient to determine the role of this variant in disease conclusively. Therefore, this variant is classified as a Variant of Uncertain Significance.